The following is an entry in ClinVar:

ClinVar aggregate classification (germline): Benign/Likely benign. Review status: criteria provided, multiple submitters, no conflicts (2 of 4 stars). 4 submissions from 4 submitters: Benign (2); Likely benign (1). 1 of the submissions does not count toward it. Last evaluated 2022-09-05.

Conditions:
ALPK2-related disorder. Also called: ALPK2-related condition.

Allele frequency attached by ClinVar (database versions not stated): 1000 Genomes Project 30x 0.00390; 1000 Genomes Project 0.00399; ESP Exome Variant Server 0.00746; ExAC 0.00756; gnomAD exomes 0.00818 and 0.01071; gnomAD 0.00824 and 0.00866; TOPMed 0.00830.
gnomAD v4.1: 16,883 of 1,614,164 alleles (1%); highest among the groups gnomAD compares: Non-Finnish European, 1.2%; 107 homozygotes.

Submissions (4):

Ambry Genetics
Classification: Likely benign. Last evaluated: 2022-09-05. Review status: criteria provided, single submitter. Criteria: Ambry Variant Classification Scheme 2023. Collection method: clinical testing. Allele origin: germline.

Labcorp Genetics (formerly Invitae), Labcorp
Classification: Benign. Last evaluated: 2019-12-31. Review status: criteria provided, single submitter. Criteria: Invitae Variant Classification Sherloc (09022015). Collection method: clinical testing. Allele origin: germline.

Breakthrough Genomics
Classification: Benign. Review status: criteria provided, single submitter. Criteria: ACMG Guidelines, 2015. Collection method: not provided. Allele origin: germline. Inheritance: Unknown mechanism. Affected: yes.

PreventionGenetics, part of Exact Sciences
Classification: Benign for ALPK2-related condition. Last evaluated: 2019-02-26. Review status: no assertion criteria provided. Collection method: clinical testing. Allele origin: germline. Not counted in ClinVar's aggregate classification.
Comment: This variant is classified as benign based on ACMG/AMP sequence variant interpretation guidelines (Richards et al. 2015 PMID: 25741868, with internal and published modifications).

NM_052947.4(ALPK2):c.5737C>T (p.Arg1913Cys)

Gene: ALPK2 (alpha kinase 2; minus strand). Cytogenetic location: 18q21.31.
Variant type: single nucleotide variant.
Coding change: c.5737C>T on transcript NM_052947.4 (MANE Select); coding-DNA position 5737, C replaced by T.
Protein change: p.Arg1913Cys; replaces arginine 1913 with cysteine.
Molecular consequence: missense variant.
Genome position (GRCh38, 1-based): chr18:58,517,111, G>A on the plus strand (C>T on the coding strand, the complement: ALPK2 is on the minus strand). VCF-style: chr18-58517111-G-A. GRCh37 (hg19) VCF-style: chr18-56184343-G-A.
Other names: short protein forms R1913C.
Identifiers: ClinVar variation 771772 (VCV000771772.9), dbSNP rs34823643, ClinGen allele CA8976371.